The following is an entry in ClinVar:

ClinVar aggregate classification (germline): Pathogenic/Likely pathogenic. Review status: criteria provided, multiple submitters, no conflicts (2 of 4 stars). 2 submissions from 2 submitters: Pathogenic (1); Likely pathogenic (1). Last evaluated 2024-05-01.

Conditions:
Breast-ovarian cancer, familial, susceptibility to, 1 (BROVCA1). Also called: BRCA1 Hereditary Breast and Ovarian Cancer; OVARIAN CANCER, SUSCEPTIBILITY TO. Identifiers: Orphanet 145, MedGen C2676676, MONDO:0011450, OMIM 604370. Disease mechanism: loss of function.
Hereditary breast ovarian cancer syndrome. Also called: Hereditary breast and ovarian cancer syndrome (HBOC); Breast and ovarian cancer; Hereditary breast and/or ovarian cancer syndrome; Hereditary breast and ovarian cancer syndrome; BRCA1- and BRCA2-Associated Hereditary Breast and Ovarian Cancer; Hereditary breast and ovarian cancer. Identifiers: Orphanet 145, MedGen C0677776, MeSH D061325, MONDO:0003582. Disease mechanism: loss of function.

Submissions (2):

Labcorp Genetics (formerly Invitae), Labcorp
Classification: Pathogenic for Hereditary breast ovarian cancer syndrome. Last evaluated: 2024-05-01. Review status: criteria provided, single submitter. Criteria: Invitae Variant Classification Sherloc (09022015). Collection method: clinical testing. Allele origin: germline.
Comment: This sequence change creates a premature translational stop signal (p.Gly949Leufs*2) in the BRCA1 gene. It is expected to result in an absent or disrupted protein product. Loss-of-function variants in BRCA1 are known to be pathogenic (PMID: 20104584). This variant is not present in population databases (gnomAD no frequency). This variant has not been reported in the literature in individuals affected with BRCA1-related conditions. For these reasons, this variant has been classified as Pathogenic.

Baylor Genetics
Classification: Likely pathogenic for Breast-ovarian cancer, familial, susceptibility to, 1. Last evaluated: 2023-03-30. Review status: criteria provided, single submitter. Criteria: ACMG Guidelines, 2015. Collection method: clinical testing. Allele origin: unknown.

Literature cited by the submitters: PubMed 20104584 (cited by Labcorp Genetics (formerly Invitae), Labcorp).

NM_007294.4(BRCA1):c.2844_2845del (p.Gly949fs)

Gene: BRCA1 (BRCA1 DNA repair associated; minus strand). Cytogenetic location: 17q21.31.
Variant type: Deletion.
Coding change: c.2844_2845del on transcript NM_007294.4 (MANE Select); coding-DNA positions 2844 to 2845, 2 bases deleted (AG; older notation c.2844_2845delAG).
Protein change: p.Gly949fs; shifts the reading frame from glycine 949.
Molecular consequence: frameshift variant. On other transcripts: intron variant (137).
Genome position (GRCh38, 1-based): chr17:43,092,686-43,092,687, CT deleted on the plus strand (AG on the coding strand, the reverse complement: BRCA1 is on the minus strand); deleting any 2 consecutive bases within chr17:43,092,686-43,092,688 gives the same sequence; the c. name uses the placement nearest the transcript's 3' end. VCF-style (leftmost placement, unchanged base first): chr17-43092685-CCT-C. GRCh37 (hg19) VCF-style: chr17-41244702-CCT-C.
Other names: c.2631_2632del, p.Gly878fs (NM_001407571.1, NM_001407894.1, NM_001407895.1 and 9 more transcripts); c.2844_2845del, p.Gly949fs (NM_001407581.1, NM_001407582.1, NM_001407583.1 and 30 more transcripts); c.2841_2842del, p.Gly948fs (NM_001407587.1, NM_001407590.1, NM_001407591.1 and 22 more transcripts); c.2835_2836del, p.Gly946fs (NM_001407646.1, NM_001407647.1); c.2721_2722del, p.Gly908fs (NM_001407648.1, NM_001407664.1, NM_001407665.1 and 19 more transcripts); c.2718_2719del, p.Gly907fs (NM_001407649.1, NM_001407670.1, NM_001407671.1 and 11 more transcripts); c.2766_2767del, p.Gly923fs (NM_001407653.1, NM_001407654.1, NM_001407655.1 and 4 more transcripts); c.2763_2764del, p.Gly922fs (NM_001407659.1, NM_001407660.1, NM_001407661.1 and 1 more transcripts); and 41 more; short protein forms G653fs, G781fs, G821fs, G822fs, G837fs, G838fs, G860fs, G861fs.
Identifiers: ClinVar variation 2680225 (VCV002680225.3), dbSNP rs2552182764, ClinGen allele CA2695201342.